The following is an entry in ClinVar:

NM_000171.4(GLRA1):c.613C>T (p.Gln205Ter)

Gene: GLRA1 (glycine receptor alpha 1; minus strand). Cytogenetic location: 5q33.1.
Variant type: single nucleotide variant.
Coding change: c.613C>T on transcript NM_000171.4 (MANE Select); coding-DNA position 613, C replaced by T.
Protein change: p.Gln205Ter; replaces glutamine 205 with a stop codon.
Molecular consequence: nonsense.
Genome position (GRCh38, 1-based): chr5:151,855,124, G>A on the plus strand (C>T on the coding strand, the complement: GLRA1 is on the minus strand). VCF-style: chr5-151855124-G-A. GRCh37 (hg19) VCF-style: chr5-151234685-G-A.
Other names: c.613C>T, p.Gln205Ter (NM_001146040.2); c.364C>T, p.Gln122Ter (NM_001292000.2); short protein forms Q205*, Q122*.
Identifiers: ClinVar variation 3729904 (VCV003729904.2).

ClinVar aggregate classification (germline): Pathogenic (1 of 4 stars; one submission).

Conditions:
Hereditary hyperekplexia. Identifiers: Orphanet 3197, MedGen C4084968, MONDO:0021022.

Submission:

Labcorp Genetics (formerly Invitae), Labcorp
Classification: Pathogenic for Hereditary hyperekplexia. Last evaluated: 2025-02-02. Review status: criteria provided, single submitter. Criteria: Invitae Variant Classification Sherloc (09022015). Collection method: clinical testing. Allele origin: germline.
Comment: This sequence change creates a premature translational stop signal (p.Gln205*) in the GLRA1 gene. It is expected to result in an absent or disrupted protein product. Loss-of-function variants in GLRA1 are known to be pathogenic (PMID: 20631190, 24108130). This variant is not present in population databases (gnomAD no frequency). This variant has not been reported in the literature in individuals affected with GLRA1-related conditions. Algorithms developed to predict the effect of sequence changes on RNA splicing suggest that this variant may disrupt the consensus splice site. For these reasons, this variant has been classified as Pathogenic.

Literature cited by the submitters: PubMed 20631190; PubMed 24108130.